The following is an entry in ClinVar:

ClinVar aggregate classification (germline): Uncertain significance (1 of 4 stars; one submission).

Conditions:
Dilated cardiomyopathy 1G (CMD1G). Identifiers: Orphanet 154, MedGen C1858763, MONDO:0011400, OMIM 604145.
Autosomal recessive limb-girdle muscular dystrophy type 2J (LGMDR10). Also called: Limb-girdle muscular dystrophy, type 2J; MUSCULAR DYSTROPHY, LIMB-GIRDLE, AUTOSOMAL RECESSIVE 10. Identifiers: Orphanet 140922, MedGen C1837342, MONDO:0012127, OMIM 608807.

Submission:

Labcorp Genetics (formerly Invitae), Labcorp
Classification: Uncertain significance for Dilated cardiomyopathy 1G; Autosomal recessive limb-girdle muscular dystrophy type 2J. Last evaluated: 2022-03-19. Review status: criteria provided, single submitter. Criteria: Invitae Variant Classification Sherloc (09022015). Collection method: clinical testing. Allele origin: germline.
Comment: In summary, the available evidence is currently insufficient to determine the role of this variant in disease. Therefore, it has been classified as a Variant of Uncertain Significance. This variant is located in the M band of TTN (PMID: 25589632). Variants in this region may be relevant for neuromuscular disorders, but have not been definitively shown to cause cardiomyopathy (PMID: 23975875). Experimental studies and prediction algorithms are not available or were not evaluated, and the functional significance of this variant is currently unknown. ClinVar contains an entry for this variant (Variation ID: 941279). This variant has not been reported in the literature in individuals affected with TTN-related conditions. This variant is not present in population databases (gnomAD no frequency). This variant, c.101506_101508del, results in the deletion of 1 amino acid(s) of the TTN protein (p.Cys33836del), but otherwise preserves the integrity of the reading frame.

Literature cited by the submitters: PubMed 25589632; PubMed 23975875.

NM_001267550.2(TTN):c.101506_101508del (p.Cys33836del)

Genes: TTN-AS1 (TTN antisense RNA 1; plus strand), TTN (titin; minus strand). Cytogenetic location: 2q31.2.
Variant type: Deletion.
Coding change: c.101506_101508del on transcript NM_001267550.2 (MANE Select); coding-DNA positions 101506 to 101508, 3 bases deleted (TGT; older notation c.101506_101508delTGT).
Protein change: p.Cys33836del; deletes cysteine 33836.
Molecular consequence: inframe deletion.
Genome position (GRCh38, 1-based): chr2:178,535,107-178,535,109, ACA deleted on the plus strand (TGT on the coding strand, the reverse complement: TTN is on the minus strand); deleting any 3 consecutive bases within chr2:178,535,107-178,535,111 gives the same sequence; the c. name uses the placement nearest the transcript's 3' end. VCF-style (leftmost placement, unchanged base first): chr2-178535106-CACA-C. GRCh37 (hg19) VCF-style: chr2-179399833-CACA-C.
Other names: c.96583_96585del, p.Cys32195del (NM_001256850.1); c.74311_74313del, p.Cys24771del (NM_003319.4); c.93802_93804del, p.Cys31268del (NM_133378.4); c.74686_74688del, p.Cys24896del (NM_133432.3); c.74887_74889del, p.Cys24963del (NM_133437.4); short protein forms C32195del, C24963del, C24771del, C24896del, C31268del, C33836del.
Identifiers: ClinVar variation 941279 (VCV000941279.10), dbSNP rs1690847769, ClinGen allele CA1139657413.
Genomic context (GRCh38, chr2:178,535,106, plus strand): 5'-GATCAGTCCCTTTGACTTTAACAAATTTGGCCATGTATGTCTTCTTTGAGGATGTTTCAA[CACA>C]ACGATGGACAATTCCAAACTCACCACGCCCAAGATCTTCAGCAATCATATATTTCTCATA-3'